The following is an entry in ClinVar:

ClinVar aggregate classification (germline): Pathogenic (1 of 4 stars; one submission).

Conditions:
Autosomal recessive limb-girdle muscular dystrophy type 2U. Also called: MUSCULAR DYSTROPHY, LIMB-GIRDLE, TYPE 2U; Muscular dystrophy-dystroglycanopathy (limb-girdle), type c, 7. Identifiers: Orphanet 352479, MedGen C5190987, MONDO:0014474, OMIM 616052.
Muscular dystrophy-dystroglycanopathy (congenital with brain and eye anomalies), type A, 7. Also called: WALKER-WARBURG SYNDROME OR MUSCLE-EYE-BRAIN DISEASE, ISPD-RELATED; Congenital muscular dystrophy-dystroglycanopathy with brain and eye anomalies, type A7. Identifiers: Orphanet 899, MedGen C3553330, MONDO:0013835, OMIM 614643.

Submission:

Labcorp Genetics (formerly Invitae), Labcorp
Classification: Pathogenic for Muscular dystrophy-dystroglycanopathy (congenital with brain and eye anomalies), type A, 7; Autosomal recessive limb-girdle muscular dystrophy type 2U. Last evaluated: 2024-01-25. Review status: criteria provided, single submitter. Criteria: Invitae Variant Classification Sherloc (09022015). Collection method: clinical testing. Allele origin: germline.
Comment: This sequence change creates a premature translational stop signal (p.Gly299Valfs*8) in the ISPD gene. It is expected to result in an absent or disrupted protein product. Loss-of-function variants in ISPD are known to be pathogenic (PMID: 23288328). This variant is not present in population databases (gnomAD no frequency). This variant has not been reported in the literature in individuals affected with ISPD-related conditions. For these reasons, this variant has been classified as Pathogenic.

Literature cited by the submitters: PubMed 23288328.

NM_001101426.4(CRPPA):c.896del (p.Gly299fs)

Gene: CRPPA (CDP-L-ribitol pyrophosphorylase A; minus strand). Cytogenetic location: 7p21.2.
Variant type: Deletion.
Coding change: c.896del on transcript NM_001101426.4 (MANE Select); coding-DNA position 896, one base deleted (G; older notation c.896delG).
Protein change: p.Gly299fs; shifts the reading frame from glycine 299.
Molecular consequence: frameshift variant. On other transcripts: non-coding transcript variant (1).
Genome position (GRCh38, 1-based): chr7:16,278,166, C deleted on the plus strand (G on the coding strand, the reverse complement: CRPPA is on the minus strand); the first of 2 consecutive C bases (chr7:16,278,166-16,278,167); deleting either gives the same sequence. VCF-style (leftmost placement, unchanged base first): chr7-16278165-AC-A. GRCh37 (hg19) VCF-style: chr7-16317790-AC-A.
Other names: c.746del, p.Gly249fs (NM_001101417.4); c.791del, p.Gly264fs (NM_001368197.1); short protein forms G299fs, G249fs, G264fs.
Identifiers: ClinVar variation 2924564 (VCV002924564.3), dbSNP rs2546652810, ClinGen allele CA2681881685.